The following is an entry in ClinVar:

NM_000218.3(KCNQ1):c.1514+2290G>C

Genes: KCNQ1 (potassium voltage-gated channel subfamily Q member 1; plus strand), KCNQ1OT1 (KCNQ1 opposite strand/antisense transcript 1; minus strand). Cytogenetic location: 11p15.5.
Variant type: single nucleotide variant.
Coding change: c.1514+2290G>C on transcript NM_000218.3 (MANE Select); 2290 bases into the intron after coding-DNA position 1514, G replaced by C.
Molecular consequence: intron variant. On other transcripts: non-coding transcript variant (1).
Genome position (GRCh38, 1-based): chr11:2,664,371, G>C. VCF-style: chr11-2664371-G-C. GRCh37 (hg19) VCF-style: chr11-2685601-G-C.
Other names: c.1244+2290G>C (NM_001406837.1); c.1418+2290G>C (NM_001406836.1); c.974+2290G>C (NM_001406838.1); c.1133+2290G>C (NM_181798.2).
Identifiers: ClinVar variation 3250907 (VCV003250907.18), dbSNP rs547976864.

ClinVar aggregate classification (germline): Likely benign (1 of 4 stars; one submission).

Allele frequency attached by ClinVar (database versions not stated): 1000 Genomes Project 0.00020; gnomAD 0.00023; gnomAD exomes 0.00030; 1000 Genomes Project 30x 0.00031.
gnomAD v4.1: 109 of 398,874 alleles (0.027%); highest among the groups gnomAD compares: Non-Finnish European, 0.023%; no homozygotes.

Submission:

CeGaT Center for Human Genetics Tuebingen
Classification: Likely benign. Last evaluated: 2025-02-01. Review status: criteria provided, single submitter. Criteria: CeGaT Center For Human Genetics Tuebingen Variant Classification Criteria Version 2. Collection method: clinical testing. Allele origin: germline. Affected: yes. Observed: 2 variant alleles.
Comment: KCNQ1OT1: BS1